The following is an entry in ClinVar:

ClinVar aggregate classification (germline): Uncertain significance (1 of 4 stars; one submission).

Conditions:
Hereditary cancer-predisposing syndrome. Also called: Tumor predisposition; Hereditary neoplastic syndrome; Hereditary Cancer Syndrome; Neoplastic Syndromes, Hereditary. Identifiers: Orphanet 140162, MedGen C0027672, MeSH D009386, MONDO:0015356.

Submission:

Ambry Genetics
Classification: Uncertain significance for Hereditary cancer-predisposing syndrome. Last evaluated: 2025-03-20. Review status: criteria provided, single submitter. Criteria: Ambry Variant Classification Scheme 2023. Collection method: clinical testing. Allele origin: germline.
Comment: The c.4494-24_4494-3dup22 intronic variant begins 24 nucleotides before coding exon 34 in the TSC2 gene. This variant results from a duplication of 22 nucleotides at positions c.4494-24 to c.4494-3. This nucleotide region is not well conserved in available vertebrate species. In silico splice site analysis for this alteration is inconclusive. Based on the available evidence, the clinical significance of this variant remains unclear.

NM_000548.5(TSC2):c.4494-24_4494-3dup

Gene: TSC2 (TSC complex subunit 2; plus strand). Cytogenetic location: 16p13.3.
Variant type: Duplication.
Coding change: c.4494-24_4494-3dup on transcript NM_000548.5 (MANE Select); 24 bases into the intron before coding-DNA position 4494 through 3 bases into the intron before coding-DNA position 4494, 22 bases duplicated (GCCCACCATCCCCTCCCTGTGC).
Molecular consequence: intron variant.
Genome position (GRCh38, 1-based): chr16:2,084,927-2,084,948, GCCCACCATCCCCTCCCTGTGC duplicated. VCF-style (leftmost placement, unchanged base first): chr16-2084926-T-TGCCCACCATCCCCTCCCTGTGC. GRCh37 (hg19) VCF-style: chr16-2134927-T-TGCCCACCATCCCCTCCCTGTGC.
Other names: c.4491-24_4491-3dup (NM_001406663.1); c.4422-24_4422-3dup (NM_001406664.1); c.4365-24_4365-3dup (NM_021055.3, NM_001370405.1); c.4296-24_4296-3dup (NM_001363528.2); c.4416-24_4416-3dup (NM_001406665.1); c.4362-24_4362-3dup (NM_001370404.1); c.4293-24_4293-3dup (NM_001077183.3); c.2952-24_2952-3dup (NM_001406694.1, NM_001406693.1, NM_001406692.1); and 26 more.
Identifiers: ClinVar variation 3974619 (VCV003974619.1).
Genomic context (GRCh38, chr16:2,084,926, plus strand): 5'-GGCCAGGCTCTGTGTTCCTCCCTGTGGGCTGTGGCTGCCCTGGCCAGGCCCTCACCTGGG[T>TGCCCACCATCCCCTCCCTGTGC]GCCCACCATCCCCTCCCTGTGCAGTTTCGTGTTCCTGCAGCTCTACCATTCCCCCTTCTT-3'